The following is an entry in ClinVar:

ClinVar aggregate classification (germline): Uncertain significance (1 of 4 stars; one submission).

Conditions:
Epileptic encephalopathy. Identifiers: MedGen C0543888, HP:0200134.

Submission:

Labcorp Genetics (formerly Invitae), Labcorp
Classification: Uncertain significance for Epileptic encephalopathy. Last evaluated: 2024-03-10. Review status: criteria provided, single submitter. Criteria: Invitae Variant Classification Sherloc (09022015). Collection method: clinical testing. Allele origin: germline.
Comment: This sequence change replaces arginine, which is basic and polar, with proline, which is neutral and non-polar, at codon 1953 of the FASN protein (p.Arg1953Pro). This variant is not present in population databases (gnomAD no frequency). This variant has not been reported in the literature in individuals affected with FASN-related conditions. An algorithm developed to predict the effect of missense changes on protein structure and function (PolyPhen-2) suggests that this variant is likely to be disruptive. In summary, the available evidence is currently insufficient to determine the role of this variant in disease. Therefore, it has been classified as a Variant of Uncertain Significance.

NM_004104.5(FASN):c.5858G>C (p.Arg1953Pro)

Gene: FASN (fatty acid synthase; minus strand). Cytogenetic location: 17q25.3.
Variant type: single nucleotide variant.
Coding change: c.5858G>C on transcript NM_004104.5 (MANE Select); coding-DNA position 5858, G replaced by C.
Protein change: p.Arg1953Pro; replaces arginine 1953 with proline.
Molecular consequence: missense variant.
Genome position (GRCh38, 1-based): chr17:82,082,588, C>G on the plus strand (G>C on the coding strand, the complement: FASN is on the minus strand). VCF-style: chr17-82082588-C-G. GRCh37 (hg19) VCF-style: chr17-80040464-C-G.
Other names: short protein forms R1953P.
Identifiers: ClinVar variation 3645280 (VCV003645280.2).
Genomic context (GRCh38, chr17:82,082,588, plus strand): 5'-ACGGCCAGGTTGAAGACGCCGCCCACGGGCCCAAGCTGCGCCGCCTCGGCAATGAGGCCC[C>G]GGGCCCCCTCCAGTGAGCTGATGTTGCTGGTGGACACCTGCACCTGTACGCCCTGGCGCC-3'
Protein context (NP_004095.4, residues 1943-1963): TSNISSLEGA[Arg1953Pro]GLIAEAAQLG